The following is an entry in ClinVar:

ClinVar aggregate classification (germline): Uncertain significance (1 of 4 stars; one submission).

Allele frequency attached by ClinVar (database versions not stated): gnomAD 0.00001; TOPMed 0.00001.
gnomAD v4.1: 8 of 1,613,752 alleles (0.0005%); highest among the groups gnomAD compares: African/African-American, 0.0013%; no homozygotes.

Submission:

Labcorp Genetics (formerly Invitae), Labcorp
Classification: Uncertain significance. Last evaluated: 2025-06-12. Review status: criteria provided, single submitter. Criteria: Invitae Variant Classification Sherloc (09022015). Collection method: clinical testing. Allele origin: germline.
Comment: This sequence change affects codon 404 of the NUP160 mRNA. It is a 'silent' change, meaning that it does not change the encoded amino acid sequence of the NUP160 protein. This variant is not present in population databases (gnomAD no frequency). This variant has not been reported in the literature in individuals affected with NUP160-related conditions. ClinVar contains an entry for this variant (Variation ID: 1927924). Algorithms developed to predict the effect of sequence changes on RNA splicing suggest that this variant may disrupt the consensus splice site. In summary, the available evidence is currently insufficient to determine the role of this variant in disease. Therefore, it has been classified as a Variant of Uncertain Significance.

NM_015231.3(NUP160):c.1110G>A (p.Thr370=)

Gene: NUP160 (nucleoporin 160; minus strand). Cytogenetic location: 11p11.2.
Variant type: single nucleotide variant.
Coding change: c.1110G>A on transcript NM_015231.3 (MANE Select); coding-DNA position 1110, G replaced by A.
Protein change: p.Thr370=; no amino-acid change (threonine 370 retained).
Molecular consequence: synonymous variant. On other transcripts: non-coding transcript variant (1).
Genome position (GRCh38, 1-based): chr11:47,821,789, C>T on the plus strand (G>A on the coding strand, the complement: NUP160 is on the minus strand). VCF-style: chr11-47821789-C-T. GRCh37 (hg19) VCF-style: chr11-47843341-C-T.
Identifiers: ClinVar variation 1927924 (VCV001927924.5), dbSNP rs1162989083, ClinGen allele CA474241621.